The following is an entry in ClinVar:

ClinVar aggregate classification (germline): Pathogenic. Review status: criteria provided, multiple submitters, no conflicts (2 of 4 stars). 2 submissions from 2 submitters: Pathogenic (2). Last evaluated 2024-12-22.

Conditions:
Nonsyndromic congenital nail disorder 8. Also called: TOENAIL DYSTROPHY, ISOLATED. Identifiers: MedGen C1843761, MONDO:0011852, OMIM 607523.
Epidermolysis bullosa pruriginosa. Also called: DEB, PRURIGINOSA; DYSTROPHIC EPIDERMOLYSIS BULLOSA PRURIGINOSA. Identifiers: Orphanet 89843, MedGen C1275114, MONDO:0011398, OMIM 604129.
Recessive dystrophic epidermolysis bullosa (RDEB). Also called: epidermolysis bullosa dystrophica, autosomal recessive; Recessive DEB (RDEB); Hallopeau-Siemens Disease; DYSTROPHIC EPIDERMOLYSIS BULLOSA, AUTOSOMAL RECESSIVE; EPIDERMOLYSIS BULLOSA DYSTROPHICA, HALLOPEAU-SIEMENS TYPE; EPIDERMOLYSIS BULLOSA DYSTROPHICA, GENERALIZED SEVERE, AUTOSOMAL RECESSIVE. Identifiers: Orphanet 79408, Orphanet 79409, MedGen C0079474, MONDO:0009179, OMIM 226600.
Dominant dystrophic epidermolysis bullosa with absence of skin. Also called: EPIDERMOLYSIS BULLOSA WITH CONGENITAL LOCALIZED ABSENCE OF SKIN AND DEFORMITY OF NAILS; EPIDERMOLYSIS BULLOSA DYSTROPHICA, BART TYPE. Identifiers: MedGen C0268371, MONDO:0007557, OMIM 132000.
Transient bullous dermolysis of the newborn (TBDN). Also called: EPIDERMOLYSIS BULLOSA DYSTROPHICA, NEONATAL FORM; DYSTROPHIC EPIDERMOLYSIS BULLOSA, NEONATAL. Identifiers: Orphanet 79411, MedGen C1851573, MONDO:0007548, OMIM 131705.
Pretibial dystrophic epidermolysis bullosa. Also called: Pretibial epidermolysis bullosa; EPIDERMOLYSIS BULLOSA DYSTROPHICA, PRETIBIAL; Pretibial blistering. Identifiers: Orphanet 79410, MedGen C0432321, MONDO:0007552, OMIM 131850, HP:0012221.
Generalized dominant dystrophic epidermolysis bullosa (DDEB). Also called: Dominant DEB (DDEB); DDEB, generalized; DDEB-gen; DYSTROPHIC EPIDERMOLYSIS BULLOSA, AUTOSOMAL DOMINANT; Epidermolysis bullosa dystrophica, autosomal dominant. Identifiers: Orphanet 231568, MedGen C0432322, MONDO:0007549, OMIM 131750.

Submissions (2):

Myriad Genetics, Inc.
Classification: Pathogenic for Recessive dystrophic epidermolysis bullosa. Last evaluated: 2024-12-22. Review status: criteria provided, single submitter. Criteria: Myriad Autosomal Dominant, Autosomal Recessive and X-Linked Classification Criteria (2023). Collection method: clinical testing. Allele origin: unknown.
Comment: NM_000094.3(COL7A1):c.4172dupC(G1392Rfs*10) is expected to be pathogenic in the context of dystrophic epidermolysis bullosa. This variant is predicted to lead to an abnormal or absent protein product due to the creation of a premature termination codon in COL7A1, a gene where loss-of-function variants are known to be pathogenic. Please note: this variant was assessed in the context of healthy population screening.

Fulgent Genetics
Classification: Pathogenic for Transient bullous dermolysis of the newborn; Generalized dominant dystrophic epidermolysis bullosa; Pretibial dystrophic epidermolysis bullosa; Dominant dystrophic epidermolysis bullosa with absence of skin; Recessive dystrophic epidermolysis bullosa; Epidermolysis bullosa pruriginosa; Nonsyndromic congenital nail disorder 8. Last evaluated: 2024-03-25. Review status: criteria provided, single submitter. Criteria: ACMG Guidelines, 2015. Collection method: clinical testing. Allele origin: germline.

NM_000094.4(COL7A1):c.4172dup (p.Gly1392fs)

Gene: COL7A1 (collagen type VII alpha 1 chain; minus strand). Cytogenetic location: 3p21.31.
Variant type: Duplication.
Coding change: c.4172dup on transcript NM_000094.4 (MANE Select); coding-DNA position 4172, one base duplicated (C; older notation c.4172dupC).
Protein change: p.Gly1392fs; shifts the reading frame from glycine 1392.
Molecular consequence: frameshift variant.
Genome position (GRCh38, 1-based): chr3:48,584,323, G duplicated on the plus strand (C on the coding strand, the reverse complement: COL7A1 is on the minus strand); the first of 6 consecutive G bases (chr3:48,584,323-48,584,328); duplicating any one gives the same sequence. VCF-style (leftmost placement, unchanged base first): chr3-48584322-T-TG. GRCh37 (hg19) VCF-style: chr3-48621755-T-TG.
Other names: short protein forms G1392fs.
Identifiers: ClinVar variation 3589277 (VCV003589277.2).